The following is an entry in ClinVar:

ClinVar aggregate classification (germline): Conflicting classifications of pathogenicity. Review status: criteria provided, conflicting classifications (1 of 4 stars). 4 submissions from 4 submitters: Uncertain significance (2); Likely benign (2). Last evaluated 2025-06-11.

Conditions:
Hereditary cancer-predisposing syndrome. Also called: Neoplastic Syndromes, Hereditary; Tumor predisposition; Hereditary Cancer Syndrome; Hereditary neoplastic syndrome. Identifiers: Orphanet 140162, MedGen C0027672, MeSH D009386, MONDO:0015356.
Familial cancer of breast. Also called: BREAST CANCER, FAMILIAL; Hereditary breast cancer; hereditary breast carcinoma. Identifiers: Orphanet 227535, MedGen C0346153, MONDO:0016419, OMIM 114480. Disease mechanism: loss of function.

Allele frequency attached by ClinVar (database versions not stated): gnomAD exomes below 0.00001 and 0.00001; gnomAD 0.00001; TOPMed 0.00001.
gnomAD v4.1: 2 of 1,532,250 alleles (0.00013%); highest among the groups gnomAD compares: African/African-American, 0.003%; no homozygotes.

Submissions (4):

Ambry Genetics
Classification: Uncertain significance for Hereditary cancer-predisposing syndrome. Last evaluated: 2025-06-11. Review status: criteria provided, single submitter. Criteria: Ambry Variant Classification Scheme 2023. Collection method: clinical testing. Allele origin: germline.
Comment: The c.216-3A>C intronic variant results from an A to C substitution 3 nucleotides upstream from coding exon 3 in the BARD1 gene. This nucleotide position is well conserved in available vertebrate species. In silico splice site analysis predicts that this alteration will not have any significant effect on splicing; however, direct evidence is insufficient at this time (Ambry internal data). Since supporting evidence is limited at this time, the clinical significance of this alteration remains unclear.

Myriad Genetics, Inc.
Classification: Likely benign for Familial cancer of breast. Last evaluated: 2024-07-19. Review status: criteria provided, single submitter. Criteria: Myriad Autosomal Dominant, Autosomal Recessive and X-Linked Classification Criteria (2023). Collection method: clinical testing. Allele origin: unknown.
Comment: This variant is considered likely benign. This variant is intronic and is not expected to impact mRNA splicing.

Labcorp Genetics (formerly Invitae), Labcorp
Classification: Likely benign for Familial cancer of breast. Last evaluated: 2023-06-24. Review status: criteria provided, single submitter. Criteria: Invitae Variant Classification Sherloc (09022015). Collection method: clinical testing. Allele origin: germline.

Quest Diagnostics Nichols Institute San Juan Capistrano
Classification: Uncertain significance. Last evaluated: 2021-06-19. Review status: criteria provided, single submitter. Criteria: Quest Diagnostics criteria. Collection method: clinical testing. Allele origin: unknown.

NM_000465.4(BARD1):c.216-3A>C

Gene: BARD1 (BRCA1 associated RING domain 1; minus strand). Cytogenetic location: 2q35.
Variant type: single nucleotide variant.
Coding change: c.216-3A>C on transcript NM_000465.4 (MANE Select); 3 bases into the intron before coding-DNA position 216, A replaced by C.
Molecular consequence: intron variant.
Genome position (GRCh38, 1-based): chr2:214,792,448, T>G on the plus strand (A>C on the coding strand, the complement: BARD1 is on the minus strand). VCF-style: chr2-214792448-T-G. GRCh37 (hg19) VCF-style: chr2-215657172-T-G.
Other names: c.216-3A>C (LRG_297t1, NM_001282549.2); c.158+16964A>C (NM_001282548.2); c.159-3A>C (NM_001282543.2); c.215+4613A>C (NM_001282545.2).
Identifiers: ClinVar variation 485312 (VCV000485312.18), dbSNP rs1329481396, ClinGen allele CA539837398.